The following is an entry in ClinVar:

NM_001308210.2(TSHZ1):c.1984_1986del (p.Glu662del)

Gene: TSHZ1 (teashirt zinc finger homeobox 1; plus strand). Cytogenetic location: 18q22.3.
Variant type: Deletion.
Coding change: c.1984_1986del on transcript NM_001308210.2 (MANE Select); coding-DNA positions 1984 to 1986, 3 bases deleted (GAG; older notation c.1984_1986delGAG).
Protein change: p.Glu662del; deletes glutamic acid 662.
Molecular consequence: inframe deletion.
Genome position (GRCh38, 1-based): chr18:75,287,391-75,287,393, GAG deleted; deleting any 3 consecutive bases within chr18:75,287,389-75,287,393 gives the same sequence; the c. name uses the placement nearest the transcript's 3' end. VCF-style (leftmost placement, unchanged base first): chr18-75287388-AAGG-A. GRCh37 (hg19) VCF-style: chr18-72999343-AAGG-A.
Other names: c.1849_1851del, p.Glu617del (NM_005786.6); short protein forms E617del, E662del.
Identifiers: ClinVar variation 4980728 (VCV004980728.1), dbSNP rs756583304.

ClinVar aggregate classification (germline): Uncertain significance (1 of 4 stars; one submission).

Conditions:
TSHZ1-related disorder. Also called: TSHZ1-related condition.

Submission:

PreventionGenetics, part of Exact Sciences
Classification: Uncertain significance for TSHZ1-related condition. Last evaluated: 2026-06-24. Review status: criteria provided, single submitter. Criteria: ACMG Guidelines, 2015. Collection method: clinical testing. Allele origin: germline.
Comment: The TSHZ1 c.1849_1851delGAG variant is predicted to result in an in-frame deletion (p.Glu617del). To our knowledge, this variant has not been reported in the literature. This variant is reported in 0.023% of alleles in individuals of Latino descent in gnomAD. Although we suspect that this variant may be benign, at this time, the clinical significance of this variant is uncertain due to the absence of conclusive functional and genetic evidence.